The following is an entry in ClinVar:

ClinVar aggregate classification (germline): Uncertain significance (1 of 4 stars; one submission).

Submission:

Ambry Genetics
Classification: Uncertain significance. Last evaluated: 2024-12-04. Review status: criteria provided, single submitter. Criteria: Ambry Variant Classification Scheme 2023. Collection method: clinical testing. Allele origin: germline.
Comment: The p.I384S variant (also known as c.1151T>G), located in coding exon 2 of the CDK12 gene, results from a T to G substitution at nucleotide position 1151. The isoleucine at codon 384 is replaced by serine, an amino acid with dissimilar properties. This amino acid position is conserved. In addition, this alteration is predicted to be tolerated by in silico analysis. Based on the available evidence, the clinical significance of this variant remains unclear.

NM_016507.4(CDK12):c.1151T>G (p.Ile384Ser)

Gene: CDK12 (cyclin dependent kinase 12; plus strand). Cytogenetic location: 17q12.
Variant type: single nucleotide variant.
Coding change: c.1151T>G on transcript NM_016507.4 (MANE Select); coding-DNA position 1151, T replaced by G.
Protein change: p.Ile384Ser; replaces isoleucine 384 with serine.
Molecular consequence: missense variant.
Genome position (GRCh38, 1-based): chr17:39,470,983, T>G. VCF-style: chr17-39470983-T-G. GRCh37 (hg19) VCF-style: chr17-37627236-T-G.
Other names: c.1151T>G, p.Ile384Ser (NM_015083.4); short protein forms I384S.
Identifiers: ClinVar variation 3489354 (VCV003489354.1).
Genomic context (GRCh38, chr17:39,470,983, plus strand): 5'-GACATTCATCTTCTCATAGTAAAAAGAAGAGATCCAGTTCACGCAGTCGTCATTCCAGTA[T>G]CTCACCTGTCAGGCTTCCACTTAATTCCAGTCTGGGAGCTGAACTCAGTAGGAAAAAGAA-3'
Protein context (NP_057591.2, residues 374-394): RSSSRSRHSS[Ile384Ser]SPVRLPLNSS